The following is an entry in ClinVar:

NM_000465.4(BARD1):c.1465_1466del (p.Thr489fs)

Gene: BARD1 (BRCA1 associated RING domain 1; minus strand). Cytogenetic location: 2q35.
Variant type: Microsatellite.
Coding change: c.1465_1466del on transcript NM_000465.4 (MANE Select); coding-DNA positions 1465 to 1466, 2 bases deleted (AC; older notation c.1465_1466delAC).
Protein change: p.Thr489fs; shifts the reading frame from threonine 489.
Molecular consequence: frameshift variant. On other transcripts: non-coding transcript variant (3), intron variant (3).
Genome position (GRCh38, 1-based): chr2:214,767,584-214,767,585, GT deleted on the plus strand (AC on the coding strand, the reverse complement: BARD1 is on the minus strand); deleting any 2 consecutive bases within chr2:214,767,584-214,767,587 gives the same sequence; the c. name uses the placement nearest the transcript's 3' end. VCF-style (leftmost placement, unchanged base first): chr2-214767583-GGT-G. GRCh37 (hg19) VCF-style: chr2-215632307-GGT-G.
Other names: c.1408_1409del, p.Thr470fs (NM_001282543.2); c.159-15030_159-15029del (NM_001282548.2); c.216-15030_216-15029del (NM_001282545.2); c.364+24712_364+24713del (NM_001282549.2); short protein forms T470fs, T489fs.
Identifiers: ClinVar variation 3231769 (VCV003231769.1), dbSNP rs2469443815, ClinGen allele CA2825001074.

ClinVar aggregate classification (germline): Pathogenic (1 of 4 stars; one submission).

Conditions:
Hereditary cancer-predisposing syndrome. Also called: Neoplastic Syndromes, Hereditary; Tumor predisposition; Hereditary neoplastic syndrome; Hereditary Cancer Syndrome. Identifiers: Orphanet 140162, MedGen C0027672, MeSH D009386, MONDO:0015356.

Submission:

Ambry Genetics
Classification: Pathogenic for Hereditary cancer-predisposing syndrome. Last evaluated: 2024-03-11. Review status: criteria provided, single submitter. Criteria: Ambry Variant Classification Scheme 2023. Collection method: clinical testing. Allele origin: germline.
Comment: The c.1465_1466delAC pathogenic mutation, located in coding exon 6 of the BARD1 gene, results from a deletion of two nucleotides at nucleotide positions 1465 to 1466, causing a translational frameshift with a predicted alternate stop codon (p.T489Hfs*6). This variant is considered to be rare based on population cohorts in the Genome Aggregation Database (gnomAD). This alteration is expected to result in loss of function by premature protein truncation or nonsense-mediated mRNA decay. As such, this alteration is interpreted as a disease-causing mutation.